The following is an entry in ClinVar:

ClinVar aggregate classification (germline): Pathogenic (1 of 4 stars; one submission).

Conditions:
Neurofibromatosis, type 1 (NF1). Also called: VON RECKLINGHAUSEN DISEASE; Peripheral type neurofibromatosis; NEUROFIBROMATOSIS, TYPE I, SOMATIC; Neurofibromatosis, type I. Identifiers: Orphanet 636, MedGen C0027831, MONDO:0018975, OMIM 162200. Disease mechanism: loss of function.

Submission:

Labcorp Genetics (formerly Invitae), Labcorp
Classification: Pathogenic for Neurofibromatosis, type 1. Last evaluated: 2025-08-18. Review status: criteria provided, single submitter. Criteria: Invitae Variant Classification Sherloc (09022015). Collection method: clinical testing. Allele origin: germline.
Comment: This sequence change creates a premature translational stop signal (p.Ala2177Leufs*2) in the NF1 gene. It is expected to result in an absent or disrupted protein product. Loss-of-function variants in NF1 are known to be pathogenic (PMID: 10712197, 23913538). This variant is not present in population databases (gnomAD no frequency). This variant has not been reported in the literature in individuals affected with NF1-related conditions. ClinVar contains an entry for this variant (Variation ID: 1074365). For these reasons, this variant has been classified as Pathogenic.

Literature cited by the submitters: PubMed 10712197; PubMed 23913538.

NM_001042492.3(NF1):c.6592del (p.Ala2198fs)

Gene: NF1 (neurofibromin 1; plus strand). Cytogenetic location: 17q11.2.
Variant type: Deletion.
Coding change: c.6592del on transcript NM_001042492.3 (MANE Select); coding-DNA position 6592, one base deleted (G; older notation c.6592delG).
Protein change: p.Ala2198fs; shifts the reading frame from alanine 2198.
Molecular consequence: frameshift variant.
Genome position (GRCh38, 1-based): chr17:31,337,532, G deleted. VCF-style (leftmost placement, unchanged base first): chr17-31337531-TG-T. GRCh37 (hg19) VCF-style: chr17-29664549-TG-T.
Other names: c.6529delG, p.Ala2177Leufs (NM_000267.4); short protein forms A2177fs, A2198fs.
Identifiers: ClinVar variation 1074365 (VCV001074365.5), dbSNP rs2151556490, ClinGen allele CA2499224195.